The following is an entry in ClinVar:

NM_000329.3(RPE65):c.1399C>G (p.Pro467Ala)

Gene: RPE65 (retinoid isomerohydrolase RPE65; minus strand). Cytogenetic location: 1p31.3.
Variant type: single nucleotide variant.
Coding change: c.1399C>G on transcript NM_000329.3 (MANE Select); coding-DNA position 1399, C replaced by G.
Protein change: p.Pro467Ala; replaces proline 467 with alanine.
Molecular consequence: missense variant.
Genome position (GRCh38, 1-based): chr1:68,431,116, G>C on the plus strand (C>G on the coding strand, the complement: RPE65 is on the minus strand). VCF-style: chr1-68431116-G-C. GRCh37 (hg19) VCF-style: chr1-68896799-G-C.
Other names: NM_000329.3(RPE65):c.1399C>G; p.Pro467Ala; c.1399C>G (NM_000329.2); short protein forms P467A.
Identifiers: ClinVar variation 1069898 (VCV001069898.13), dbSNP rs1395763356, ClinGen allele CA340741972.

ClinVar aggregate classification (germline): Pathogenic. Review status: reviewed by expert panel (3 of 4 stars). 7 submissions from 7 submitters: Pathogenic (1). 6 of the submissions do not count toward it. Last evaluated 2024-02-18.

Conditions:
RPE65-related recessive retinopathy. Also called: Recessive RPE65 retinopathy. Identifiers: MedGen CN305526, MONDO:0100368.
Leber congenital amaurosis (LCA). Also called: Leber's amaurosis. Identifiers: Orphanet 65, MedGen C0339527, MeSH D057130, MONDO:0018998.
Retinitis pigmentosa 87 with choroidal involvement. Identifiers: MedGen C5231465, MONDO:0032873, OMIM 618697.
Retinitis pigmentosa 20 (RP20). Identifiers: Orphanet 791, MedGen C3151086, MONDO:0013425, OMIM 613794.
Leber congenital amaurosis 2 (LCA2). Also called: Autosomal Recessive RPE65-Related Retinal Degeneration; AMAUROSIS CONGENITA OF LEBER II. Identifiers: Orphanet 65, MedGen C1859844, MONDO:0008765, OMIM 204100. Disease mechanism: loss of function.
RPE65-related disorder. Also called: RPE65-related disorders; RPE65-related condition. Identifiers: MedGen CN239301.

Allele frequency attached by ClinVar (database versions not stated): gnomAD exomes 0.00001; TOPMed 0.00001.

Submissions (7):

ClinGen Leber Congenital Amaurosis/early Onset Retinal Dystrophy Variant Curation Expert Panel, ClinGen
Classification: Pathogenic for RPE65-related recessive retinopathy. Last evaluated: 2024-02-18. Review status: reviewed by expert panel. Criteria: ClinGen LCAeoRD ACMG Specifications RPE65 V1.0.0. Collection method: curation. Allele origin: germline. Inheritance: Autosomal recessive inheritance.
Comment: NM_000329.3(RPE65):c.1399C>G is a missense variant causing substitution of proline by alanine at position 467. This variant is present in gnomAD v.2.1.1 at a GrpMax allele frequency of 0.00001898, with 2 alleles / 18384 total alleles in the East Asian population, which is lower than the ClinGen LCA / eoRD VCEP PM2_Supporting threshold of <0.0002 (PM2_Supporting). This variant has been reported in at least 2 probands with early-onset severe retinal dystrophy who were compound heterozygous with the NM_000329.3(RPE65):c.998+1G>A or NM_000329.3(RPE65):c.130C>T (p.Arg44Ter) variants confirmed in trans (PMID: 31273949, PMID: 30996589), which were previously classified pathogenic by the ClinGen LCA / eoRD VCEP (2 total points, PM3_Strong). At least one proband harboring this variant exhibits a phenotype including grey-white fundus albipunctatus‐like changes (2 pts), genotyping by exome sequencing that did not provide an alternative explanation for visual impairment (2 pts), night blindness with onset before age 5 years (1 pt), extinguished rod ERG responses (0.5 pts), and severely reduced cone ERG responses (1 pt), which together are specific for RPE65-related recessive retinopathy (6.5 total points, PMID: 31273949, PP4). Two other probands also meet the PP4 criteria including extinguished ERG, night blindness with onset in early childhood as well as additional consistent features such as white dot deposits in the mid-peripheral retina, and reduced visual acuity (PP4; PMID: 31273949). The variant has been reported to segregate with childhood-onset severe retinal dystrophy through the proband plus 1 similarly affected relative in 2 different families, with the variant present in the compound heterozygous state (PP1; PMID: 31273949). The computational predictor REVEL gives a score of 0.891, which is above the ClinGen LCA/eoRD VCEP threshold of >0.773 and predicts a damaging effect on RPE65 function (PP3_Moderate). The variant exhibited 0% enzymatic activity in a retinoid isomerase assay relative to the wild-type control, which is lower than the ClinGen LCA / eoRD PS3_Supporting threshold of <10% activity, indicating that it triggers a severe defect in protein function (PS3_Supporting, PMID: 31580392). In summary, this variant meets the criteria to be classified as pathogenic for RPE65-related recessive retinopathy based on the ACMG/AMP criteria applied, as specified by the ClinGen LCA / eoRD VCEP: PS3_Supporting, PM2_Supporting, PM3_Strong, PP1, PP3_Moderate, and PP4. (VCEP specifications version 1.0.0; date of approval 09/21/2023).

Myriad Genetics, Inc.
Classification: Likely pathogenic for RPE65-related recessive retinopathy. Last evaluated: 2025-07-26. Review status: criteria provided, single submitter. Criteria: Myriad Autosomal Dominant, Autosomal Recessive and X-Linked Classification Criteria (2023). Collection method: clinical testing. Allele origin: unknown. Not counted in ClinVar's aggregate classification.
Comment: NM_000329.2(RPE65):c.1399C>G(P467A) is a missense variant classified as likely pathogenic in the context of inherited retinal dystrophy, RPE65-related. P467A has been observed in cases with relevant disease (PMID: 30996589, 31273949, 33952291). Relevant functional assessments of this variant are not available in the literature. P467A has been observed in referenced population frequency databases. In summary, NM_000329.2(RPE65):c.1399C>G(P467A) is a missense variant that has been observed more frequently in cases with the relevant disease than in healthy populations. Please note: this variant was assessed in the context of healthy population screening.

Labcorp Genetics (formerly Invitae), Labcorp
Classification: Pathogenic for Leber congenital amaurosis 2; Retinitis pigmentosa 20. Last evaluated: 2025-02-17. Review status: criteria provided, single submitter. Criteria: Invitae Variant Classification Sherloc (09022015). Collection method: clinical testing. Allele origin: germline. Not counted in ClinVar's aggregate classification.
Comment: This sequence change replaces proline, which is neutral and non-polar, with alanine, which is neutral and non-polar, at codon 467 of the RPE65 protein (p.Pro467Ala). This variant is present in population databases (no rsID available, gnomAD 0.01%). This missense change has been observed in individual(s) with RPE65-related conditions (PMID: 30996589, 31273949). In at least one individual the data is consistent with being in trans (on the opposite chromosome) from a pathogenic variant. It has also been observed to segregate with disease in related individuals. ClinVar contains an entry for this variant (Variation ID: 1069898). Invitae Evidence Modeling of protein sequence and biophysical properties (such as structural, functional, and spatial information, amino acid conservation, physicochemical variation, residue mobility, and thermodynamic stability) indicates that this missense variant is not expected to disrupt RPE65 protein function with a negative predictive value of 80%. For these reasons, this variant has been classified as Pathogenic.

Natera, Inc.
Classification: Pathogenic for Leber congenital amaurosis. Last evaluated: 2024-04-22. Review status: criteria provided, single submitter. Criteria: Natera Variant Classification Schema (03/2026). Collection method: clinical testing. Allele origin: germline. Not counted in ClinVar's aggregate classification.
Comment: The c.1399C>G variant in RPE65 is a missense variant predicted to cause substitution of proline to alanine at amino acid 467. This variant is rare in the general population with a frequency below the threshold expected for the associated phenotype(s). This variant has been observed in one or more individuals affected with the associated recessive disease, as either homozygous or compound heterozygous with a second variant (PMID: 33952291). Given the available evidence, this variant is classified as Pathogenic.

Baylor Genetics
Classification: Pathogenic for Leber congenital amaurosis 2. Last evaluated: 2024-01-27. Review status: criteria provided, single submitter. Criteria: ACMG Guidelines, 2015. Collection method: clinical testing. Allele origin: unknown. Not counted in ClinVar's aggregate classification.

Blueprint Genetics
Classification: Pathogenic for RPE65-related disorders. Last evaluated: 2022-10-20. Review status: criteria provided, single submitter. Criteria: ACMG Guidelines, 2015. Collection method: clinical testing. Allele origin: germline. Affected: yes. Observed: 3 variant alleles. Not counted in ClinVar's aggregate classification.

Juno Genomics, Hangzhou Juno Genomics, Inc
Classification: Pathogenic for Retinitis pigmentosa 87 with choroidal involvement; Leber congenital amaurosis 2; Retinitis pigmentosa 20. Review status: criteria provided, single submitter. Criteria: ACMG Guidelines, 2015. Collection method: clinical testing. Allele origin: germline. Not counted in ClinVar's aggregate classification.
Comment: Absent from controls (or at extremely low frequency if recessive) in Genome Aggregation Database.;Well-established in vitro or in vivo functional studies supportive of a damaging effect on the gene or gene product.;For recessive disorders, detected in trans with a pathogenic variant.;Co-segregation with disease in multiple affected family members.;Patient's phenotype or family history is highly specific for a disease with a single genetic etiology.

Literature cited by the submitters: PubMed 31580392 (cited by ClinGen Leber Congenital Amaurosis/early Onset Retinal Dystrophy Variant Curation Expert Panel, ClinGen); PubMed 30996589 (cited by Myriad Genetics, Inc. and Labcorp Genetics (formerly Invitae), Labcorp); PubMed 31273949 (cited by Myriad Genetics, Inc. and Labcorp Genetics (formerly Invitae), Labcorp); PubMed 33952291 (cited by Myriad Genetics, Inc. and Natera, Inc.).